The following is an entry in ClinVar:

NM_182961.4(SYNE1):c.14458T>A (p.Ser4820Thr)

Gene: SYNE1 (spectrin repeat containing nuclear envelope protein 1; minus strand). Cytogenetic location: 6q25.2.
Variant type: single nucleotide variant.
Coding change: c.14458T>A on transcript NM_182961.4 (MANE Select); coding-DNA position 14458, T replaced by A.
Protein change: p.Ser4820Thr; replaces serine 4820 with threonine.
Molecular consequence: missense variant.
Genome position (GRCh38, 1-based): chr6:152,330,227, A>T on the plus strand (T>A on the coding strand, the complement: SYNE1 is on the minus strand). VCF-style: chr6-152330227-A-T. GRCh37 (hg19) VCF-style: chr6-152651362-A-T.
Other names: c.14245T>A, p.Ser4749Thr (NM_033071.5); short protein forms S4820T, S4749T.
Identifiers: ClinVar variation 1374487 (VCV001374487.6), dbSNP rs999907923, ClinGen allele CA150176044.

ClinVar aggregate classification (germline): Uncertain significance (1 of 4 stars; one submission).

Conditions:
Emery-Dreifuss muscular dystrophy 4, autosomal dominant (EDMD4). Also called: EMERY-DREIFUSS MUSCULAR DYSTROPHY 4 WITH VARIABLE FEATURES. Identifiers: Orphanet 261, MedGen C2751807, MONDO:0013071, OMIM 612998.
Autosomal recessive ataxia, Beauce type. Also called: SYNE1-Related Autosomal Recessive Cerebellar Ataxia; Spinocerebellar ataxia, autosomal recessive 8; ATAXIA, RECESSIVE, OF BEAUCE; SYNE1 Deficiency. Identifiers: Orphanet 88644, MedGen C1853116, MONDO:0012549, OMIM 610743.

Allele frequency attached by ClinVar (database versions not stated): gnomAD 0.00001 and 0.00002; TOPMed 0.00002.
gnomAD v4.1: 2 of 1,613,994 alleles (0.00012%); highest among the groups gnomAD compares: African/African-American, 0.0027%; no homozygotes.

Submission:

Labcorp Genetics (formerly Invitae), Labcorp
Classification: Uncertain significance for Emery-Dreifuss muscular dystrophy 4, autosomal dominant; Autosomal recessive ataxia, Beauce type. Last evaluated: 2023-07-17. Review status: criteria provided, single submitter. Criteria: Invitae Variant Classification Sherloc (09022015). Collection method: clinical testing. Allele origin: germline.
Comment: This variant is not present in population databases (gnomAD no frequency). This sequence change replaces serine, which is neutral and polar, with threonine, which is neutral and polar, at codon 4749 of the SYNE1 protein (p.Ser4749Thr). This variant has not been reported in the literature in individuals affected with SYNE1-related conditions. ClinVar contains an entry for this variant (Variation ID: 1374487). An algorithm developed to predict the effect of missense changes on protein structure and function (PolyPhen-2) suggests that this variant is likely to be tolerated. In summary, the available evidence is currently insufficient to determine the role of this variant in disease. Therefore, it has been classified as a Variant of Uncertain Significance.